The following is an entry in ClinVar:

ClinVar aggregate classification (germline): Uncertain significance (1 of 4 stars; one submission).

gnomAD v4.1: 9 of 1,613,492 alleles (0.00056%); highest among the groups gnomAD compares: South Asian, 0.0044%; no homozygotes.

Submission:

Labcorp Genetics (formerly Invitae), Labcorp
Classification: Uncertain significance. Last evaluated: 2025-11-27. Review status: criteria provided, single submitter. Criteria: Invitae Variant Classification Sherloc (09022015). Collection method: clinical testing. Allele origin: germline.
Comment: This sequence change replaces methionine, which is neutral and non-polar, with threonine, which is neutral and polar, at codon 2293 of the FLNB protein (p.Met2293Thr). This variant is present in population databases (rs763844335, gnomAD 0.003%). This variant has not been reported in the literature in individuals affected with FLNB-related conditions. Invitae Evidence Modeling of protein sequence and biophysical properties (such as structural, functional, and spatial information, amino acid conservation, physicochemical variation, residue mobility, and thermodynamic stability) indicates that this missense variant is not expected to disrupt FLNB protein function with a negative predictive value of 80%. In summary, the available evidence is currently insufficient to determine the role of this variant in disease. Therefore, it has been classified as a Variant of Uncertain Significance.

NM_001457.4(FLNB):c.6878T>C (p.Met2293Thr)

Gene: FLNB (filamin B; plus strand). Cytogenetic location: 3p14.3.
Variant type: single nucleotide variant.
Coding change: c.6878T>C on transcript NM_001457.4 (MANE Select); coding-DNA position 6878, T replaced by C.
Protein change: p.Met2293Thr; replaces methionine 2293 with threonine.
Molecular consequence: missense variant.
Genome position (GRCh38, 1-based): chr3:58,156,065, T>C. VCF-style: chr3-58156065-T-C. GRCh37 (hg19) VCF-style: chr3-58141792-T-C.
Other names: c.6971T>C, p.Met2324Thr (NM_001164317.2); c.6845T>C, p.Met2282Thr (NM_001164318.2); c.6806T>C, p.Met2269Thr (NM_001164319.2); short protein forms M2269T, M2282T, M2293T, M2324T.
Identifiers: ClinVar variation 4801730 (VCV004801730.1).